The following is an entry in ClinVar:

ClinVar aggregate classification (germline): Uncertain significance (1 of 4 stars; one submission).

Submission:

Labcorp Genetics (formerly Invitae), Labcorp
Classification: Uncertain significance. Last evaluated: 2024-03-16. Review status: criteria provided, single submitter. Criteria: Invitae Variant Classification Sherloc (09022015). Collection method: clinical testing. Allele origin: germline.
Comment: This sequence change replaces glycine, which is neutral and non-polar, with aspartic acid, which is acidic and polar, at codon 287 of the DLL3 protein (p.Gly287Asp). This variant is not present in population databases (gnomAD no frequency). This missense change has been observed in individual(s) with clinical features of DLL3-related conditions (Invitae). In at least one individual the data is consistent with being in trans (on the opposite chromosome) from a pathogenic variant. An algorithm developed to predict the effect of missense changes on protein structure and function (PolyPhen-2) suggests that this variant is likely to be disruptive. In summary, the available evidence is currently insufficient to determine the role of this variant in disease. Therefore, it has been classified as a Variant of Uncertain Significance.

NM_203486.3(DLL3):c.860G>A (p.Gly287Asp)

Gene: DLL3 (delta like canonical Notch ligand 3; plus strand). Cytogenetic location: 19q13.2.
Variant type: single nucleotide variant.
Coding change: c.860G>A on transcript NM_203486.3 (MANE Select); coding-DNA position 860, G replaced by A.
Protein change: p.Gly287Asp; replaces glycine 287 with aspartic acid.
Molecular consequence: missense variant.
Genome position (GRCh38, 1-based): chr19:39,504,278, G>A. VCF-style: chr19-39504278-G-A. GRCh37 (hg19) VCF-style: chr19-39994918-G-A.
Other names: c.860G>A, p.Gly287Asp (NM_016941.4); short protein forms G287D.
Identifiers: ClinVar variation 3689442 (VCV003689442.2).